The following is an entry in ClinVar:

ClinVar aggregate classification (germline): Pathogenic (1 of 4 stars; one submission).

Conditions:
Autosomal dominant intellectual disability-craniofacial anomalies-cardiac defects syndrome (ARTHS). Also called: KAT6A syndrome; Arboleda-Tham syndrome; Mental retardation, autosomal dominant 32. Identifiers: Orphanet 457193, MedGen C4225396, MONDO:0014558, OMIM 616268.

Submission:

Victorian Clinical Genetics Services, Murdoch Childrens Research Institute
Classification: Pathogenic for Autosomal dominant intellectual disability-craniofacial anomalies-cardiac defects syndrome. Last evaluated: 2020-10-19. Review status: criteria provided, single submitter. Criteria: ACMG Guidelines, 2015. Collection method: clinical testing. Allele origin: germline. Inheritance: Autosomal dominant inheritance.
Comment: Based on the classification scheme VCGS_Germline_v1.1.1, this variant is classified as Pathogenic. Following criteria are met: 0102 - Loss-of-function is a known mechanism of disease for this gene. (N) 0107 - This gene is known to be associated with autosomal dominant disease. (N) 0204 - Variant is predicted to result in a truncated protein with more than 1/3 of the protein affected (exon 17 of 17). (P) 0251 - Variant is heterozygous. (N) 0301 - Variant is absent from gnomAD. (P) 0401 - Variant is located in a gene associated with a severe early-onset dominant condition that is intolerant to loss-of-function variants. (P) 0601 - Variant affects at least one well-established (essential) functional domain or motif. Truncation will result in loss of part of the acidic domain and the entire transactivation domain, which have been shown to be essential for protein function (PMID: 25728777; PMID: 23431171). (P) 0701 - Comparable variants have very strong previous evidence for pathogenicity. Multiple truncating variants located downstream have been reported pathogenic (ClinVar, Decipher). (P) 0807 - Variant has not previously been reported in a clinical context. (N) 0905 - No segregation evidence has been identified for this variant. (N) 1007 - No published functional evidence has been identified for this variant. (P) Legend: (P) - Pathogenic, (N) - Neutral, (B) - Benign

Literature cited by the submitters: PubMed 25728777; PubMed 23431171.

NM_006766.5(KAT6A):c.3399_3400dup (p.Lys1134fs)

Gene: KAT6A (lysine acetyltransferase 6A; minus strand). Cytogenetic location: 8p11.21.
Variant type: Duplication.
Coding change: c.3399_3400dup on transcript NM_006766.5 (MANE Select); coding-DNA positions 3399 to 3400, 2 bases duplicated (GA; older notation c.3399_3400dupGA).
Protein change: p.Lys1134fs; shifts the reading frame from lysine 1134.
Molecular consequence: frameshift variant.
Genome position (GRCh38, 1-based): chr8:41,934,820-41,934,821, TC duplicated on the plus strand (GA on the coding strand, the reverse complement: KAT6A is on the minus strand). VCF-style (leftmost placement, unchanged base first): chr8-41934819-T-TTC. GRCh37 (hg19) VCF-style: chr8-41792337-T-TTC.
Other names: short protein forms K1134fs.
Identifiers: ClinVar variation 1805653 (VCV001805653.1), dbSNP rs2486758750, ClinGen allele CA1139532826.